The following is an entry in ClinVar:

NM_001370259.2(MEN1):c.1206C>A (p.Ser402=)

Gene: MEN1 (menin 1; minus strand). Cytogenetic location: 11q13.1.
Variant type: single nucleotide variant.
Coding change: c.1206C>A on transcript NM_001370259.2 (MANE Select); coding-DNA position 1206, C replaced by A.
Protein change: p.Ser402=; no amino-acid change (serine 402 retained).
Molecular consequence: synonymous variant.
Genome position (GRCh38, 1-based): chr11:64,805,178, G>T on the plus strand (C>A on the coding strand, the complement: MEN1 is on the minus strand). VCF-style: chr11-64805178-G-T. GRCh37 (hg19) VCF-style: chr11-64572650-G-T.
Other names: c.1221C>A, p.Ser407= (NM_000244.4, NM_130800.3, NM_130801.3 and 3 more transcripts); c.1332C>A, p.Ser444= (NM_001370251.2); c.1206C>A, p.Ser402= (NM_001370260.2, NM_001370261.2, NM_130799.3); c.1101C>A, p.Ser367= (NM_001370262.2, NM_001370263.2).
Identifiers: ClinVar variation 527292 (VCV000527292.56), dbSNP rs770037856, ClinGen allele CA060283.

ClinVar aggregate classification (germline): Benign/Likely benign. Review status: criteria provided, multiple submitters, no conflicts (2 of 4 stars). 5 submissions from 5 submitters: Benign (1); Likely benign (4). Last evaluated 2026-01-11.

Conditions:
Hereditary cancer-predisposing syndrome. Also called: Neoplastic Syndromes, Hereditary; Hereditary Cancer Syndrome; Tumor predisposition; Hereditary neoplastic syndrome. Identifiers: Orphanet 140162, MedGen C0027672, MeSH D009386, MONDO:0015356.
Multiple endocrine neoplasia, type 1 (MEN1). Also called: Endocrine adenomatosis multiple; MEN 1; MEA I; MEN I; WERMER SYNDROME. Identifiers: Orphanet 652, MedGen C0025267, MeSH D018761, MONDO:0007540, OMIM 131100.

gnomAD v4.1: 9 of 1,613,834 alleles (0.00056%); highest among the groups gnomAD compares: Non-Finnish European, 0.00076%; no homozygotes.

Submissions (5):

Labcorp Genetics (formerly Invitae), Labcorp
Classification: Likely benign for Multiple endocrine neoplasia, type 1. Last evaluated: 2026-01-11. Review status: criteria provided, single submitter. Criteria: Invitae Variant Classification Sherloc (09022015). Collection method: clinical testing. Allele origin: germline.

Myriad Genetics, Inc.
Classification: Benign for Multiple endocrine neoplasia, type 1. Last evaluated: 2024-11-05. Review status: criteria provided, single submitter. Criteria: Myriad Autosomal Dominant, Autosomal Recessive and X-Linked Classification Criteria (2023). Collection method: clinical testing. Allele origin: unknown.
Comment: This variant is considered benign. This variant is a silent/synonymous amino acid change and it is not expected to impact splicing.

CeGaT Center for Human Genetics Tuebingen
Classification: Likely benign. Last evaluated: 2024-10-01. Review status: criteria provided, single submitter. Criteria: CeGaT Center For Human Genetics Tuebingen Variant Classification Criteria Version 2. Collection method: clinical testing. Allele origin: germline. Affected: yes. Observed: 3 variant alleles.
Comment: MEN1: BP4, BP7

All of Us Research Program, National Institutes of Health
Classification: Likely benign for Multiple endocrine neoplasia, type 1. Last evaluated: 2024-04-10. Review status: criteria provided, single submitter. Criteria: ACMG Guidelines, 2015. Collection method: clinical testing. Allele origin: germline. Inheritance: Autosomal dominant inheritance. Observed: 9 variant alleles, 9 heterozygotes.
Comment: This study involves interpretation of variants in research participants for the purpose of population health screening. Participant phenotype was not available at the time of variant classification. Additional details can be found in publication PMID: 35346344, PMCID: PMC8962531

Ambry Genetics
Classification: Likely benign for Hereditary cancer-predisposing syndrome. Last evaluated: 2020-12-30. Review status: criteria provided, single submitter. Criteria: Ambry Variant Classification Scheme 2023. Collection method: clinical testing. Allele origin: germline.